The following is an entry in ClinVar:

ClinVar aggregate classification (germline): Likely benign. Review status: criteria provided, multiple submitters, no conflicts (2 of 4 stars). 2 submissions from 2 submitters: Likely benign (2). Last evaluated 2024-02-17.

Submissions (2):

Labcorp Genetics (formerly Invitae), Labcorp
Classification: Likely benign. Last evaluated: 2024-02-17. Review status: criteria provided, single submitter. Criteria: Invitae Variant Classification Sherloc (09022015). Collection method: clinical testing. Allele origin: germline.

GeneDx
Classification: Likely benign. Last evaluated: 2018-02-07. Review status: criteria provided, single submitter. Criteria: GeneDx Variant Classification (06012015). Collection method: clinical testing. Allele origin: germline. Affected: yes.
Comment: This variant is considered likely benign or benign based on one or more of the following criteria: it is a conservative change, it occurs at a poorly conserved position in the protein, it is predicted to be benign by multiple in silico algorithms, and/or has population frequency not consistent with disease.

NM_001844.5(COL2A1):c.3166-8C>T

Gene: COL2A1 (collagen type II alpha 1 chain; minus strand). Cytogenetic location: 12q13.11.
Variant type: single nucleotide variant.
Coding change: c.3166-8C>T on transcript NM_001844.5 (MANE Select); 8 bases into the intron before coding-DNA position 3166, C replaced by T.
Molecular consequence: intron variant.
Genome position (GRCh38, 1-based): chr12:47,977,435, G>A on the plus strand (C>T on the coding strand, the complement: COL2A1 is on the minus strand). VCF-style: chr12-47977435-G-A. GRCh37 (hg19) VCF-style: chr12-48371218-G-A.
Other names: c.2959-8C>T (NM_033150.3).
Identifiers: ClinVar variation 515315 (VCV000515315.8), dbSNP rs1555165207, ClinGen allele CA658797881.
Genomic context (GRCh38, chr12:47,977,435, plus strand): 5'-GGGGGCCCAGGGGCTCCAGGAGCTCCCACAGCACCAGTCTCACCACGATCACCCTGTCAG[G>A]AGAGAGGTCTCAGGCTCAGAGAAGAATGTTCCAGAAGAGACAGGAACAGAAGGTCCTTCT-3'